The following is an entry in ClinVar:

NM_138420.4(AHNAK2):c.3557T>C (p.Val1186Ala)

Gene: AHNAK2 (AHNAK nucleoprotein 2; minus strand). Cytogenetic location: 14q32.33.
Variant type: single nucleotide variant.
Coding change: c.3557T>C on transcript NM_138420.4 (MANE Select); coding-DNA position 3557, T replaced by C.
Protein change: p.Val1186Ala; replaces valine 1186 with alanine.
Molecular consequence: missense variant.
Genome position (GRCh38, 1-based): chr14:104,951,894, A>G on the plus strand (T>C on the coding strand, the complement: AHNAK2 is on the minus strand). VCF-style: chr14-104951894-A-G. GRCh37 (hg19) VCF-style: chr14-105418231-A-G.
Other names: c.3257T>C, p.Val1086Ala (NM_001350929.2); short protein forms V1086A, V1186A.
Identifiers: ClinVar variation 2644846 (VCV002644846.24), dbSNP rs188954909, ClinGen allele CA7382936.

ClinVar aggregate classification (germline): Likely benign (1 of 4 stars; one submission).

Allele frequency attached by ClinVar (database versions not stated): 1000 Genomes Project 0.00120; ESP Exome Variant Server 0.00272.

Submission:

CeGaT Center for Human Genetics Tuebingen
Classification: Likely benign. Last evaluated: 2026-05-01. Review status: criteria provided, single submitter. Criteria: CeGaT Center For Human Genetics Tuebingen Variant Classification Criteria Version 2. Collection method: clinical testing. Allele origin: germline. Affected: yes. Observed: 6 variant alleles.
Comment: AHNAK2: BP4